The following is an entry in ClinVar:

NM_001430.5(EPAS1):c.26+7G>C

Genes: EPAS1 (endothelial PAS domain protein 1; plus strand), LOC129933655 (ATAC-STARR-seq lymphoblastoid silent region 11447; plus strand). Cytogenetic location: 2p21.
Variant type: single nucleotide variant.
Coding change: c.26+7G>C on transcript NM_001430.5 (MANE Select); 7 bases into the intron after coding-DNA position 26, G replaced by C.
Molecular consequence: intron variant.
Genome position (GRCh38, 1-based): chr2:46,297,944, G>C. VCF-style: chr2-46297944-G-C. GRCh37 (hg19) VCF-style: chr2-46525083-G-C.
Identifiers: ClinVar variation 896077 (VCV000896077.5), dbSNP rs764477794, ClinGen allele CA1644436.

ClinVar aggregate classification (germline): Benign. Review status: criteria provided, multiple submitters, no conflicts (2 of 4 stars). 2 submissions from 2 submitters: Benign (2). Last evaluated 2025-09-20.

Conditions:
Erythrocytosis, familial, 4 (ECYT4). Identifiers: Orphanet 247511, MedGen C2673187, MONDO:0012729, OMIM 611783.

Allele frequency attached by ClinVar (database versions not stated): ExAC 0.00010; gnomAD 0.00003 and 0.00004; gnomAD exomes 0.00009; TOPMed 0.00004.
gnomAD v4.1: 24 of 1,612,040 alleles (0.0015%); highest among the groups gnomAD compares: East Asian, 0.047%; no homozygotes.

Submissions (2):

Labcorp Genetics (formerly Invitae), Labcorp
Classification: Benign. Last evaluated: 2025-09-20. Review status: criteria provided, single submitter. Criteria: Invitae Variant Classification Sherloc (09022015). Collection method: clinical testing. Allele origin: germline.

Illumina Laboratory Services, Illumina
Classification: Benign for Erythrocytosis, familial, 4. Last evaluated: 2018-01-13. Review status: criteria provided, single submitter. Criteria: ICSL Variant Classification Criteria 13 December 2019. Collection method: clinical testing. Allele origin: germline.
Comment: This variant was observed in the ICSL laboratory as part of a predisposition screen in an ostensibly healthy population. It had not been previously curated by ICSL or reported in the Human Gene Mutation Database (HGMD: prior to June 1st, 2018), and was therefore a candidate for classification through an automated scoring system. Utilizing variant allele frequency, disease prevalence and penetrance estimates, and inheritance mode, an automated score was calculated to assess if this variant is too frequent to cause the disease. Based on the score and internal cut-off values, a variant classified as benign is not then subjected to further curation. The score for this variant resulted in a classification of benign for this disease.